The following is an entry in ClinVar:

ClinVar aggregate classification (germline): Conflicting classifications of pathogenicity. Review status: criteria provided, conflicting classifications (1 of 4 stars). 2 submissions from 2 submitters: Uncertain significance (1); Likely benign (1). Last evaluated 2023-03-01.

Conditions:
Early-infantile DEE. Also called: Early infantile epileptic encephalopathy with suppression bursts; Early infantile epileptic encephalopathy; Ohtahara syndrome. Identifiers: Orphanet 1934, MedGen C0393706, MONDO:0800491.

Allele frequency attached by ClinVar (database versions not stated): gnomAD exomes below 0.00001.
gnomAD v4.1: 7 of 1,599,844 alleles (0.00044%); highest among the groups gnomAD compares: Non-Finnish European, 0.00051%; no homozygotes.

Submissions (2):

Labcorp Genetics (formerly Invitae), Labcorp
Classification: Uncertain significance for Early-infantile DEE. Last evaluated: 2023-03-01. Review status: criteria provided, single submitter. Criteria: Invitae Variant Classification Sherloc (09022015). Collection method: clinical testing. Allele origin: germline.
Comment: In summary, the available evidence is currently insufficient to determine the role of this variant in disease. Therefore, it has been classified as a Variant of Uncertain Significance. Algorithms developed to predict the effect of sequence changes on RNA splicing suggest that this variant may disrupt the consensus splice site. This sequence change affects codon 665 of the SCN8A mRNA. It is a 'silent' change, meaning that it does not change the encoded amino acid sequence of the SCN8A protein. This variant is present in population databases (no rsID available, gnomAD 0.0009%). This variant has not been reported in the literature in individuals affected with SCN8A-related conditions. ClinVar contains an entry for this variant (Variation ID: 1213499).

GeneDx
Classification: Likely benign. Last evaluated: 2019-06-06. Review status: criteria provided, single submitter. Criteria: GeneDx Variant Classification Process June 2021. Collection method: clinical testing. Allele origin: germline. Affected: yes.

NM_001330260.2(SCN8A):c.1995A>G (p.Pro665=)

Gene: SCN8A (sodium voltage-gated channel alpha subunit 8; plus strand). Cytogenetic location: 12q13.13.
Variant type: single nucleotide variant.
Coding change: c.1995A>G on transcript NM_001330260.2 (MANE Select); coding-DNA position 1995, A replaced by G.
Protein change: p.Pro665=; no amino-acid change (proline 665 retained).
Molecular consequence: synonymous variant.
Genome position (GRCh38, 1-based): chr12:51,721,905, A>G. VCF-style: chr12-51721905-A-G. GRCh37 (hg19) VCF-style: chr12-52115689-A-G.
Other names: c.1995A>G, p.Pro665= (NM_001177984.3, NM_001369788.1, NM_014191.4).
Identifiers: ClinVar variation 1213499 (VCV001213499.6), dbSNP rs1231370273, ClinGen allele CA480097103.